The following is an entry in ClinVar:

ClinVar aggregate classification (germline): Uncertain significance (1 of 4 stars; one submission).

Submission:

Labcorp Genetics (formerly Invitae), Labcorp
Classification: Uncertain significance. Last evaluated: 2018-08-12. Review status: criteria provided, single submitter. Criteria: Invitae Variant Classification Sherloc (09022015). Collection method: clinical testing. Allele origin: germline.
Comment: In summary, the available evidence is currently insufficient to determine the role of this variant in disease. Therefore, it has been classified as a Variant of Uncertain Significance. Algorithms developed to predict the effect of missense changes on protein structure and function are either unavailable or do not agree on the potential impact of this missense change (SIFT: "Deleterious"; PolyPhen-2: "Probably Damaging"; Align-GVGD: "Class C0"). This variant has not been reported in the literature in individuals with POLE-related disease. This variant is not present in population databases (ExAC no frequency). This sequence change replaces serine with proline at codon 2150 of the POLE protein (p.Ser2150Pro). The serine residue is highly conserved and there is a moderate physicochemical difference between serine and proline.

NM_006231.4(POLE):c.6448T>C (p.Ser2150Pro)

Gene: POLE (DNA polymerase epsilon, catalytic subunit; minus strand). Cytogenetic location: 12q24.33.
Variant type: single nucleotide variant.
Coding change: c.6448T>C on transcript NM_006231.4 (MANE Select); coding-DNA position 6448, T replaced by C.
Protein change: p.Ser2150Pro; replaces serine 2150 with proline.
Molecular consequence: missense variant.
Genome position (GRCh38, 1-based): chr12:132,626,200, A>G on the plus strand (T>C on the coding strand, the complement: POLE is on the minus strand). VCF-style: chr12-132626200-A-G. GRCh37 (hg19) VCF-style: chr12-133202786-A-G.
Other names: short protein forms S2150P.
Identifiers: ClinVar variation 639807 (VCV000639807.8), dbSNP rs1593697516, ClinGen allele CA387367507.